The following is an entry in ClinVar:

ClinVar aggregate classification (germline): Likely benign (0 of 4 stars; one submission).

Conditions:
CKAP2L-related disorder. Also called: CKAP2L-related condition.

gnomAD v4.1: 14 of 1,614,096 alleles (0.00087%); highest among the groups gnomAD compares: African/African-American, 0.012%; no homozygotes.

Submission:

PreventionGenetics, part of Exact Sciences
Classification: Likely benign for CKAP2L-related condition. Last evaluated: 2024-04-15. Review status: no assertion criteria provided. Collection method: clinical testing. Allele origin: germline.
Comment: This variant is classified as likely benign based on ACMG/AMP sequence variant interpretation guidelines (Richards et al. 2015 PMID: 25741868, with internal and published modifications).

NM_152515.5(CKAP2L):c.420G>T (p.Gly140=)

Gene: CKAP2L (cytoskeleton associated protein 2 like; minus strand). Cytogenetic location: 2q14.1.
Variant type: single nucleotide variant.
Coding change: c.420G>T on transcript NM_152515.5 (MANE Select); coding-DNA position 420, G replaced by T.
Protein change: p.Gly140=; no amino-acid change (glycine 140 retained).
Molecular consequence: synonymous variant. On other transcripts: 5 prime UTR variant (1), non-coding transcript variant (1).
Genome position (GRCh38, 1-based): chr2:112,756,951, C>A on the plus strand (G>T on the coding strand, the complement: CKAP2L is on the minus strand). VCF-style: chr2-112756951-C-A. GRCh37 (hg19) VCF-style: chr2-113514528-C-A.
Other names: c.-76G>T (NM_001304361.2).
Identifiers: ClinVar variation 3358395 (VCV003358395.1).